The following is an entry in ClinVar:

NM_014956.5(CEP164):c.1480C>T (p.Pro494Ser)

Gene: CEP164 (centrosomal protein 164; plus strand). Cytogenetic location: 11q23.3.
Variant type: single nucleotide variant.
Coding change: c.1480C>T on transcript NM_014956.5 (MANE Select); coding-DNA position 1480, C replaced by T.
Protein change: p.Pro494Ser; replaces proline 494 with serine.
Molecular consequence: missense variant.
Genome position (GRCh38, 1-based): chr11:117,381,771, C>T. VCF-style: chr11-117381771-C-T. GRCh37 (hg19) VCF-style: chr11-117252487-C-T.
Other names: c.1489C>T, p.Pro497Ser (NM_001271933.2); short protein forms P494S, P497S.
Identifiers: ClinVar variation 849046 (VCV000849046.9), dbSNP rs114396665, ClinGen allele CA6294769.
Genomic context (GRCh38, chr11:117,381,771, plus strand): 5'-CCACTTCCACACGAGGAGCGGGCCCAGAGTCCCCCTCGCAGCCTGGCCACTGAAGAAGAG[C>T]CTCCCCAGGGCCCCGAGGGGCAGCCCGAGTGGAAGGAGGCAGAGGAGCTTGGGGAGGACT-3'
Protein context (NP_055771.4, residues 484-504): PPRSLATEEE[Pro494Ser]PQGPEGQPEW

ClinVar aggregate classification (germline): Uncertain significance (1 of 4 stars; one submission).

Conditions:
Nephronophthisis 15 (NPHP15). Identifiers: Orphanet 3156, MedGen C3541853, MONDO:0013917, OMIM 614845.

gnomAD v4.1: 8 of 1,603,380 alleles (0.0005%); highest among the groups gnomAD compares: Non-Finnish European, 0.0006%; no homozygotes.

Submission:

Labcorp Genetics (formerly Invitae), Labcorp
Classification: Uncertain significance for Nephronophthisis 15. Last evaluated: 2022-07-06. Review status: criteria provided, single submitter. Criteria: Invitae Variant Classification Sherloc (09022015). Collection method: clinical testing. Allele origin: germline.
Comment: This sequence change replaces proline, which is neutral and non-polar, with serine, which is neutral and polar, at codon 494 of the CEP164 protein (p.Pro494Ser). The frequency data for this variant in the population databases is considered unreliable, as metrics indicate poor data quality at this position in the gnomAD database. This variant has not been reported in the literature in individuals affected with CEP164-related conditions. ClinVar contains an entry for this variant (Variation ID: 849046). Algorithms developed to predict the effect of missense changes on protein structure and function output the following: SIFT: "Tolerated"; PolyPhen-2: "Benign"; Align-GVGD: "Class C0". The serine amino acid residue is found in multiple mammalian species, which suggests that this missense change does not adversely affect protein function. In summary, the available evidence is currently insufficient to determine the role of this variant in disease. Therefore, it has been classified as a Variant of Uncertain Significance.